The following is an entry in ClinVar:

ClinVar aggregate classification (germline): Pathogenic (1 of 4 stars; one submission).

Conditions:
Hyperinsulinemic hypoglycemia, familial, 1 (HHF1). Also called: HYPERINSULINISM, FAMILIAL, WITH PANCREATIC NESIDIOBLASTOSIS; HYPOGLYCEMIA, HYPERINSULINEMIC, OF INFANCY; NESIDIOBLASTOSIS OF PANCREAS; Persistent Hyperinsulinemia Hypoglycemia of Infancy; Persistent hyperinsulinemic hypoglycemia of infancy. Identifiers: Orphanet 276575, Orphanet 276598, MedGen C2931832, MONDO:0009734, OMIM 256450.

Submission:

Myriad Genetics, Inc.
Classification: Pathogenic for Hyperinsulinemic hypoglycemia, familial, 1. Last evaluated: 2024-08-05. Review status: criteria provided, single submitter. Criteria: Myriad Autosomal Dominant, Autosomal Recessive and X-Linked Classification Criteria (2023). Collection method: clinical testing. Allele origin: unknown.
Comment: NM_000352.3(ABCC8):c.573_574delGG(R191Sfs*80) is expected to be pathogenic in the context of familial hyperinsulinism, ABCC8-related. This variant is predicted to lead to an abnormal or absent protein product due to the creation of a premature termination codon in ABCC8, a gene where loss-of-function variants are known to be pathogenic. Please note: this variant was assessed in the context of healthy population screening.

NM_000352.6(ABCC8):c.573_574del (p.Arg191fs)

Gene: ABCC8 (ATP binding cassette subfamily C member 8; minus strand). Cytogenetic location: 11p15.1.
Variant type: Deletion.
Coding change: c.573_574del on transcript NM_000352.6 (MANE Select); coding-DNA positions 573 to 574, 2 bases deleted (GG; older notation c.573_574delGG).
Protein change: p.Arg191fs; shifts the reading frame from arginine 191.
Molecular consequence: frameshift variant. On other transcripts: non-coding transcript variant (1).
Genome position (GRCh38, 1-based): chr11:17,463,443-17,463,444, CC deleted on the plus strand (GG on the coding strand, the reverse complement: ABCC8 is on the minus strand); deleting any 2 consecutive bases within chr11:17,463,443-17,463,445 gives the same sequence; the c. name uses the placement nearest the transcript's 3' end. VCF-style (leftmost placement, unchanged base first): chr11-17463442-ACC-A. GRCh37 (hg19) VCF-style: chr11-17484989-ACC-A.
Other names: c.573_574del, p.Arg191fs (NM_001287174.3, NM_001351295.2, NM_001351296.2 and 1 more transcripts); short protein forms R191fs.
Identifiers: ClinVar variation 5013418 (VCV005013418.1).
Genomic context (GRCh38, chr11:17,463,442, plus strand): 5'-GACAGAGGCCAGAGCCTCTGCTTCCCACCCCACCCTGGCCCAGGTGGCCTGCTTACCCTC[ACC>A]CTGATGACATTGACCTCCACGAGGAGCAGCATCCCATAGAGGATCACCAGCAGCCCTGTG-3'